The following is an entry in ClinVar:

ClinVar aggregate classification (germline): Pathogenic (1 of 4 stars; one submission).

Allele frequency attached by ClinVar (database versions not stated): gnomAD exomes below 0.00001.

Submission:

Labcorp Genetics (formerly Invitae), Labcorp
Classification: Pathogenic. Last evaluated: 2023-08-05. Review status: criteria provided, single submitter. Criteria: Invitae Variant Classification Sherloc (09022015). Collection method: clinical testing. Allele origin: germline.
Comment: For these reasons, this variant has been classified as Pathogenic. This variant has not been reported in the literature in individuals affected with VLDLR-related conditions. This variant is not present in population databases (gnomAD no frequency). This sequence change creates a premature translational stop signal (p.Lys418Valfs*2) in the VLDLR gene. It is expected to result in an absent or disrupted protein product. Loss-of-function variants in VLDLR are known to be pathogenic (PMID: 18043714, 18326629, 22532556).

Literature cited by the submitters: PubMed 18043714; PubMed 18326629; PubMed 22532556.

NM_003383.5(VLDLR):c.1252_1253del (p.Lys418fs)

Gene: VLDLR (very low density lipoprotein receptor; plus strand). Cytogenetic location: 9p24.2.
Variant type: Deletion.
Coding change: c.1252_1253del on transcript NM_003383.5 (MANE Select); coding-DNA positions 1252 to 1253, 2 bases deleted (AA; older notation c.1252_1253delAA).
Protein change: p.Lys418fs; shifts the reading frame from lysine 418.
Molecular consequence: frameshift variant.
Genome position (GRCh38, 1-based): chr9:2,645,022-2,645,023, AA deleted. VCF-style (leftmost placement, unchanged base first): chr9-2645021-CAA-C. GRCh37 (hg19) VCF-style: chr9-2645021-CAA-C.
Other names: c.1252_1253del, p.Lys418fs (NM_001018056.3); c.1129_1130del, p.Lys377fs (NM_001322225.2, NM_001322226.2); short protein forms K377fs, K418fs.
Identifiers: ClinVar variation 2750364 (VCV002750364.3), dbSNP rs2488729039, ClinGen allele CA2689247174.